The following is an entry in ClinVar:

NM_015656.2(KIF26A):c.531G>A (p.Ala177=)

Gene: KIF26A (kinesin family member 26A; plus strand). Cytogenetic location: 14q32.33.
Variant type: single nucleotide variant.
Coding change: c.531G>A on transcript NM_015656.2 (MANE Select); coding-DNA position 531, G replaced by A.
Protein change: p.Ala177=; no amino-acid change (alanine 177 retained).
Molecular consequence: synonymous variant.
Genome position (GRCh38, 1-based): chr14:104,152,257, G>A. VCF-style: chr14-104152257-G-A. GRCh37 (hg19) VCF-style: chr14-104618594-G-A.
Identifiers: ClinVar variation 3777886 (VCV003777886.8).

ClinVar aggregate classification (germline): Likely benign. Review status: criteria provided, multiple submitters, no conflicts (2 of 4 stars). 2 submissions from 2 submitters: Likely benign (2). Last evaluated 2025-11-01.

Submissions (2):

CeGaT Center for Human Genetics Tuebingen
Classification: Likely benign. Last evaluated: 2025-11-01. Review status: criteria provided, single submitter. Criteria: CeGaT Center For Human Genetics Tuebingen Variant Classification Criteria Version 2. Collection method: clinical testing. Allele origin: germline. Affected: yes. Observed: 2 variant alleles.
Comment: KIF26A: BP4, BP7

Blueprint Genetics
Classification: Likely benign. Last evaluated: 2024-10-21. Review status: criteria provided, single submitter. Criteria: ACMG Guidelines, 2015. Collection method: clinical testing. Allele origin: germline.